The following is an entry in ClinVar:

ClinVar aggregate classification (germline): Uncertain significance. Review status: criteria provided, multiple submitters, no conflicts (2 of 4 stars). 2 submissions from 2 submitters: Uncertain significance (2). Last evaluated 2023-06-28.

Conditions:
Chromosome 2q32-q33 deletion syndrome (GLASS). Also called: Glass syndrome; 2q33.1 deletion syndrome. Identifiers: Orphanet 251019, MedGen C2676739, MONDO:0012864, OMIM 612313.

Allele frequency attached by ClinVar (database versions not stated): gnomAD exomes below 0.00001; gnomAD 0.00001.
gnomAD v4.1: 7 of 1,612,548 alleles (0.00043%); highest among the groups gnomAD compares: Non-Finnish European, 0.00059%; no homozygotes.

Submissions (2):

GeneDx
Classification: Uncertain significance. Last evaluated: 2023-06-28. Review status: criteria provided, single submitter. Criteria: GeneDx Variant Classification Process June 2021. Collection method: clinical testing. Allele origin: germline. Affected: yes.
Comment: In silico analysis supports that this missense variant does not alter protein structure/function; Has not been previously published as pathogenic or benign to our knowledge

Labcorp Genetics (formerly Invitae), Labcorp
Classification: Uncertain significance for Chromosome 2q32-q33 deletion syndrome. Last evaluated: 2022-03-19. Review status: criteria provided, single submitter. Criteria: Invitae Variant Classification Sherloc (09022015). Collection method: clinical testing. Allele origin: germline.
Comment: In summary, the available evidence is currently insufficient to determine the role of this variant in disease. Therefore, it has been classified as a Variant of Uncertain Significance. This sequence change replaces threonine, which is neutral and polar, with asparagine, which is neutral and polar, at codon 460 of the SATB2 protein (p.Thr460Asn). This variant is present in population databases (no rsID available, gnomAD 0.002%). This variant has not been reported in the literature in individuals affected with SATB2-related conditions. ClinVar contains an entry for this variant (Variation ID: 961361). Advanced modeling of protein sequence and biophysical properties (such as structural, functional, and spatial information, amino acid conservation, physicochemical variation, residue mobility, and thermodynamic stability) performed at Invitae indicates that this missense variant is not expected to disrupt SATB2 protein function.

NM_001172509.2(SATB2):c.1379C>A (p.Thr460Asn)

Gene: SATB2 (SATB homeobox 2; minus strand). Cytogenetic location: 2q33.1.
Variant type: single nucleotide variant.
Coding change: c.1379C>A on transcript NM_001172509.2 (MANE Select); coding-DNA position 1379, C replaced by A.
Protein change: p.Thr460Asn; replaces threonine 460 with asparagine.
Molecular consequence: missense variant.
Genome position (GRCh38, 1-based): chr2:199,328,705, G>T on the plus strand (C>A on the coding strand, the complement: SATB2 is on the minus strand). VCF-style: chr2-199328705-G-T. GRCh37 (hg19) VCF-style: chr2-200193428-G-T.
Other names: c.1379C>A, p.Thr460Asn (NM_001172517.1, NM_015265.4); short protein forms T460N.
Identifiers: ClinVar variation 961361 (VCV000961361.11), dbSNP rs1329250891, ClinGen allele CA350386140.